The following is an entry in ClinVar:

ClinVar aggregate classification (germline): Uncertain significance (1 of 4 stars; one submission).

Allele frequency attached by ClinVar (database versions not stated): gnomAD exomes 0.00001; ExAC 0.00002; gnomAD 0.00002; TOPMed 0.00002.
gnomAD v4.1: 16 of 1,602,476 alleles (0.001%); highest among the groups gnomAD compares: Non-Finnish European, 0.0014%; no homozygotes.

Submission:

GeneDx
Classification: Uncertain significance. Last evaluated: 2023-04-29. Review status: criteria provided, single submitter. Criteria: GeneDx Variant Classification Process June 2021. Collection method: clinical testing. Allele origin: germline. Affected: yes.
Comment: Not observed at significant frequency in large population cohorts (gnomAD); In silico analysis supports a deleterious effect on splicing; Has not been previously published as pathogenic or benign to our knowledge

NM_014727.3(KMT2B):c.7742+5G>A

Gene: KMT2B (lysine methyltransferase 2B; plus strand). Cytogenetic location: 19q13.12.
Variant type: single nucleotide variant.
Coding change: c.7742+5G>A on transcript NM_014727.3 (MANE Select); 5 bases into the intron after coding-DNA position 7742, G replaced by A.
Molecular consequence: intron variant.
Genome position (GRCh38, 1-based): chr19:35,737,947, G>A. VCF-style: chr19-35737947-G-A. GRCh37 (hg19) VCF-style: chr19-36228848-G-A.
Identifiers: ClinVar variation 2662672 (VCV002662672.1), dbSNP rs779508092, ClinGen allele CA9386006.
Genomic context (GRCh38, chr19:35,737,947, plus strand): 5'-GCCATGCGTTTTCGTCACCTTAAGAAGACGTCCAAAGAAGCTGTGGGTGTCTACAGGTGA[G>A]TGGGGTTGGGGGGGAGGATGCCCCTTGGGTGGACGGACAGGTGCACTGGGTAGGGGGTAC-3'